The following is an entry in ClinVar:

NM_000287.4(PEX6):c.1406_1474del (p.Arg469_Leu491del)

Gene: PEX6 (peroxisomal biogenesis factor 6; minus strand). Cytogenetic location: 6p21.1.
Variant type: Deletion.
Coding change: c.1406_1474del on transcript NM_000287.4 (MANE Select); coding-DNA positions 1406 to 1474, 69 bases deleted.
Protein change: p.Arg469_Leu491del.
Molecular consequence: inframe deletion. On other transcripts: non-coding transcript variant (1).
Genome position (GRCh38, 1-based): chr6:42,968,879-42,968,947, 69 bases deleted. GRCh37 (hg19): chr6:42,936,620-42,936,688.
Other names: c.1142_1210del, p.Arg381_Leu403del (NM_001316313.2).
Identifiers: ClinVar variation 2018251 (VCV002018251.4), dbSNP rs2481228587, ClinGen allele CA2580074548.

ClinVar aggregate classification (germline): Pathogenic (1 of 4 stars; one submission).

Conditions:
Peroxisome biogenesis disorder. Identifiers: Orphanet 79189, MedGen C1832200, MONDO:0019234. Disease mechanism: loss of function.

Submission:

Labcorp Genetics (formerly Invitae), Labcorp
Classification: Pathogenic for Peroxisome biogenesis disorder. Last evaluated: 2022-07-19. Review status: criteria provided, single submitter. Criteria: Invitae Variant Classification Sherloc (09022015). Collection method: clinical testing. Allele origin: germline.
Comment: This variant, c.1406_1474del, results in the deletion of 23 amino acid(s) of the PEX6 protein (p.Arg469_Leu491del), but otherwise preserves the integrity of the reading frame. This variant is not present in population databases (gnomAD no frequency). This variant has not been reported in the literature in individuals affected with PEX6-related conditions. This variant disrupts a region of the PEX6 protein in which other variant(s) (p.Gly470Ala) have been determined to be pathogenic (Invitae). This suggests that this is a clinically significant region of the protein, and that variants that disrupt it are likely to be disease-causing. For these reasons, this variant has been classified as Pathogenic.